The following is an entry in ClinVar:

NM_001164508.2(NEB):c.12770G>A (p.Arg4257His)

Gene: NEB (nebulin; minus strand). Cytogenetic location: 2q23.3.
Variant type: single nucleotide variant.
Coding change: c.12770G>A on transcript NM_001164508.2 (MANE Select); coding-DNA position 12770, G replaced by A.
Protein change: p.Arg4257His; replaces arginine 4257 with histidine.
Molecular consequence: missense variant. On other transcripts: intron variant (1).
Genome position (GRCh38, 1-based): chr2:151,604,849, C>T on the plus strand (G>A on the coding strand, the complement: NEB is on the minus strand). VCF-style: chr2-151604849-C-T. GRCh37 (hg19) VCF-style: chr2-152461363-C-T.
Other names: c.12770G>A, p.Arg4257His (NM_001164507.2, NM_001271208.2); c.11601+4960G>A (NM_004543.5); short protein forms R4257H.
Identifiers: ClinVar variation 509194 (VCV000509194.9), dbSNP rs576918934, ClinGen allele CA1908510.

ClinVar aggregate classification (germline): Conflicting classifications of pathogenicity. Review status: criteria provided, conflicting classifications (1 of 4 stars). 4 submissions from 4 submitters: Uncertain significance (1); Likely benign (2). 1 of the submissions does not count toward it. Last evaluated 2024-11-25.

Conditions:
Nemaline myopathy 2 (NEM2). Also called: Nemaline myopathy 2, autosomal recessive. Identifiers: MedGen C1850569, MONDO:0009725, OMIM 256030.

Allele frequency attached by ClinVar (database versions not stated): gnomAD exomes 0.00147; 1000 Genomes Project 0.00399; 1000 Genomes Project 30x 0.00484; ExAC 0.00676.

Submissions (4):

Blueprint Genetics
Classification: Likely benign. Last evaluated: 2024-11-25. Review status: criteria provided, single submitter. Criteria: ACMG Guidelines, 2015. Collection method: clinical testing. Allele origin: germline.

GeneDx
Classification: Likely benign. Last evaluated: 2020-06-23. Review status: criteria provided, single submitter. Criteria: GeneDx Variant Classification Process June 2021. Collection method: clinical testing. Allele origin: germline. Affected: yes.

Labcorp Genetics (formerly Invitae), Labcorp
Classification: Uncertain significance for Nemaline myopathy 2. Last evaluated: 2017-11-04. Review status: criteria provided, single submitter. Criteria: Invitae Variant Classification Sherloc (09022015). Collection method: clinical testing. Allele origin: germline.
Comment: This variant occurs in a region of NEB (Exons 82-105) consisting of three highly homologous 8-exon repeat units (exons 82-89, exons 90-97, exons 98-105). Sequence variants in this region can be detected, but this assay cannot determine which of the three repeat units is affected, and zygosity is often ambiguous. All variants in this region are reported relative to the exon 82-89 repeat. The frequency data for this variant in the population databases is considered unreliable, as metrics indicate poor data quality at this position in the ExAC database. This variant has not been reported in the literature in individuals with NEB-related disease. In summary, the available evidence is currently insufficient to determine the role of this variant in disease. Therefore, it has been classified as a Variant of Uncertain Significance.

Natera, Inc.
Classification: Benign for Nemaline myopathy type 2. Last evaluated: 2019-11-11. Review status: no assertion criteria provided. Collection method: clinical testing. Allele origin: germline. Not counted in ClinVar's aggregate classification.